The following is an entry in ClinVar:

NM_032436.4(CHAMP1):c.601C>A (p.Pro201Thr)

Gene: CHAMP1 (chromosome alignment maintaining phosphoprotein 1; plus strand). Cytogenetic location: 13q34.
Variant type: single nucleotide variant.
Coding change: c.601C>A on transcript NM_032436.4 (MANE Select); coding-DNA position 601, C replaced by A.
Protein change: p.Pro201Thr; replaces proline 201 with threonine.
Molecular consequence: missense variant.
Genome position (GRCh38, 1-based): chr13:114,324,443, C>A. VCF-style: chr13-114324443-C-A. GRCh37 (hg19) VCF-style: chr13-115089918-C-A.
Other names: c.601C>A, p.Pro201Thr (NM_001164144.3, NM_001164145.3); short protein forms P201T.
Identifiers: ClinVar variation 3252551 (VCV003252551.1), dbSNP rs372508540.

ClinVar aggregate classification (germline): Uncertain significance (1 of 4 stars; one submission).

Allele frequency attached by ClinVar (database versions not stated): TOPMed 0.00002.

Submission:

GeneDx
Classification: Uncertain significance. Last evaluated: 2023-12-08. Review status: criteria provided, single submitter. Criteria: GeneDx Variant Classification Process June 2021. Collection method: clinical testing. Allele origin: germline. Affected: yes.
Comment: In silico analysis supports that this missense variant does not alter protein structure/function; Has not been previously published as pathogenic or benign to our knowledge